The following is an entry in ClinVar:

NM_000311.5(PRNP):c.593T>C (p.Phe198Ser)

Gene: PRNP (prion protein (Kanno blood group); plus strand). Cytogenetic location: 20p13.
Variant type: single nucleotide variant.
Coding change: c.593T>C on transcript NM_000311.5 (MANE Select); coding-DNA position 593, T replaced by C.
Protein change: p.Phe198Ser; replaces phenylalanine 198 with serine.
Molecular consequence: missense variant. On other transcripts: 3 prime UTR variant (1).
Genome position (GRCh38, 1-based): chr20:4,699,813, T>C. VCF-style: chr20-4699813-T-C. GRCh37 (hg19) VCF-style: chr20-4680459-T-C.
Other names: c.593T>C, p.Phe198Ser (NM_001080121.3, NM_001080122.3, NM_001080123.3 and 1 more transcripts); c.*282T>C (NM_001271561.3); short protein forms F198S.
Identifiers: ClinVar variation 13401 (VCV000013401.10), dbSNP rs74315405, ClinGen allele CA256779.
Genomic context (GRCh38, chr20:4,699,813, plus strand): 5'-ACTGCGTCAATATCACAATCAAGCAGCACACGGTCACCACAACCACCAAGGGGGAGAACT[T>C]CACCGAGACCGACGTTAAGATGATGGAGCGCGTGGTTGAGCAGATGTGTATCACCCAGTA-3'
Protein context (NP_000302.1, residues 188-208): TVTTTTKGEN[Phe198Ser]TETDVKMMER

ClinVar aggregate classification (germline): Pathogenic. Review status: criteria provided, multiple submitters, no conflicts (2 of 4 stars). 5 submissions from 5 submitters: Pathogenic (4). 1 of the submissions does not count toward it. Last evaluated 2025-12-08.

Conditions:
Huntington disease-like 1 (HDL1). Also called: HUNTINGTON-LIKE NEURODEGENERATIVE DISORDER 1; HUNTINGTON-LIKE NEURODEGENERATIVE DISORDER, AUTOSOMAL DOMINANT; PRION DISEASE, EARLY-ONSET, WITH PROMINENT PSYCHIATRIC FEATURES. Identifiers: Orphanet 157941, MedGen C1864112, MONDO:0011299, OMIM 603218.
PRNP-related disorder. Also called: PRNP-related disorders; PRNP-related condition.
Gerstmann-Straussler-Scheinker syndrome (GSD). Also called: Spongiform encephalopathy; Cerebellar ataxia, progressive dementia, and amyloid deposits in the central nervous system; Encephalopathy subacute spongiform Gerstmann-Straussler type; CEREBELLAR ATAXIA, PROGRESSIVE DEMENTIA, AND AMYLOID DEPOSITS IN CNS; Spinocerebellar ataxia and plaque-like deposits; Gerstmann-Sträussler-Scheinker Syndrome (GSS). Identifiers: Orphanet 356, MedGen C0017495, MONDO:0007656, OMIM 137440.

Submissions (5):

Labcorp Genetics (formerly Invitae), Labcorp
Classification: Pathogenic for Huntington disease-like 1. Last evaluated: 2025-12-08. Review status: criteria provided, single submitter. Criteria: Invitae Variant Classification Sherloc (09022015). Collection method: clinical testing. Allele origin: germline.
Comment: This sequence change replaces phenylalanine, which is neutral and non-polar, with serine, which is neutral and polar, at codon 198 of the PRNP protein (p.Phe198Ser). This variant is not present in population databases (gnomAD no frequency). This missense change has been observed in individual(s) with Gerstmann-Straussler-Scheinker disease (GSS) (PMID: 1363809, 1363810). It has also been observed to segregate with disease in related individuals. ClinVar contains an entry for this variant (Variation ID: 13401). Invitae Evidence Modeling of protein sequence and biophysical properties (such as structural, functional, and spatial information, amino acid conservation, physicochemical variation, residue mobility, and thermodynamic stability) indicates that this missense variant is not expected to disrupt PRNP protein function with a negative predictive value of 80%. Experimental studies have shown that this missense change affects PRNP function (PMID: 8939199, 10079068, 12372829, 16939293, 20541558, 25959220). For these reasons, this variant has been classified as Pathogenic.

Variantyx, Inc.
Classification: Pathogenic for Gerstmann-Straussler-Scheinker syndrome. Last evaluated: 2025-03-03. Review status: criteria provided, single submitter. Criteria: Variantyx Assertion Criteria 2022. Collection method: clinical testing. Allele origin: germline. Inheritance: Autosomal dominant inheritance. Affected: yes.
Comment: This is a nonsynonymous variant in the PRNP gene (OMIM: 176640). Pathogenic variants in this gene have been associated with autosomal dominant Gerstmann-Straussler disease. This variant has been reported in unrelated affected individuals (PMID: 1363810, 1363809) (PS4_Moderate) and it has been observed to segregate with disease in many individuals from 2 families (PMID: 1363810, 1363809) (PP1). Functional studies have shown that this variant alters PRNP protein function (PMID: 14761942, 12372829, 16939293, 19543376, 20541558) (PS3). This variant is absent from control populations (PM2). Based on the current evidence, this variant is classified as pathogenic for autosomal dominant Gerstmann-Straussler disease.

GeneDx
Classification: Pathogenic. Last evaluated: 2022-12-14. Review status: criteria provided, single submitter. Criteria: GeneDx Variant Classification Process June 2021. Collection method: clinical testing. Allele origin: germline. Affected: yes.
Comment: Published functional studies demonstrate a damaging effect through thermodynamic instability and aggregation of the protein (Liemann et al., 1999; Singh et al., 2015); Not observed at significant frequency in large population cohorts (gnomAD); In silico analysis supports that this missense variant does not alter protein structure/function; This variant is associated with the following publications: (PMID: 8939199, 20301407, 16939293, 14761942, 21875156, 21689662, 20541558, 20932979, 21552571, 19680558, 19543376, 25959220, 29338055, 12372829, 7954833, 1363810, 1363809, 30877692, 31890235, 32560489, 31340582, 10079068, 8105481)

Blueprint Genetics
Classification: Pathogenic for PRNP-related disorders. Last evaluated: 2019-03-15. Review status: criteria provided, single submitter. Criteria: ACMG Guidelines, 2015. Collection method: clinical testing. Allele origin: germline. Affected: yes. Observed: 1 variant allele.

OMIM
Classification: Pathogenic for GERSTMANN-STRAUSSLER DISEASE. Last evaluated: 2002-12-13. Review status: no assertion criteria provided. Collection method: literature only. Allele origin: germline. Not counted in ClinVar's aggregate classification.

Literature cited by the submitters: PubMed 1363809 (cited by 3 submitters); PubMed 1363810 (cited by 3 submitters); PubMed 8939199 (cited by Labcorp Genetics (formerly Invitae), Labcorp); PubMed 10079068 (cited by Labcorp Genetics (formerly Invitae), Labcorp); PubMed 12372829 (cited by 3 submitters); PubMed 16939293 (cited by Labcorp Genetics (formerly Invitae), Labcorp and Variantyx, Inc.); PubMed 20541558 (cited by Labcorp Genetics (formerly Invitae), Labcorp and Variantyx, Inc.); PubMed 25959220 (cited by Labcorp Genetics (formerly Invitae), Labcorp); PubMed 14761942 (cited by Variantyx, Inc.); PubMed 19543376 (cited by Variantyx, Inc.); PubMed 2812321 (cited by OMIM); PubMed 1357663 (cited by OMIM); PubMed 7954833 (cited by OMIM).